The following is an entry in ClinVar:

NM_013247.5(HTRA2):c.44G>C (p.Arg15Pro)

Gene: HTRA2 (HtrA serine peptidase 2; plus strand). Cytogenetic location: 2p13.1.
Variant type: single nucleotide variant.
Coding change: c.44G>C on transcript NM_013247.5 (MANE Select); coding-DNA position 44, G replaced by C.
Protein change: p.Arg15Pro; replaces arginine 15 with proline.
Molecular consequence: missense variant. On other transcripts: non-coding transcript variant (1).
Genome position (GRCh38, 1-based): chr2:74,530,050, G>C. VCF-style: chr2-74530050-G-C. GRCh37 (hg19) VCF-style: chr2-74757177-G-C.
Other names: c.44G>C, p.Arg15Pro (NM_001321727.1, NM_001321728.1, NM_145074.2); short protein forms R15P.
Identifiers: ClinVar variation 2014283 (VCV002014283.4), dbSNP rs1275995075, ClinGen allele CA347375453.
Genomic context (GRCh38, chr2:74,530,050, plus strand): 5'-CAGCCAAGGCGGAGCTGATGGCTGCGCCGAGGGCGGGGCGGGGTGCAGGCTGGAGCCTTC[G>C]GGCATGGCGGGCTTTGGGGGGCATTCGCTGGGGGAGGAGACCCCGTTTGACCCCTGACCT-3'
Protein context (NP_037379.1, residues 5-25): RAGRGAGWSL[Arg15Pro]AWRALGGIRW

ClinVar aggregate classification (germline): Uncertain significance (1 of 4 stars; one submission).

Allele frequency attached by ClinVar (database versions not stated): TOPMed below 0.00001; gnomAD 0.00001.

Submission:

Labcorp Genetics (formerly Invitae), Labcorp
Classification: Uncertain significance. Last evaluated: 2022-02-01. Review status: criteria provided, single submitter. Criteria: Invitae Variant Classification Sherloc (09022015). Collection method: clinical testing. Allele origin: germline.
Comment: This variant has not been reported in the literature in individuals affected with HTRA2-related conditions. In summary, the available evidence is currently insufficient to determine the role of this variant in disease. Therefore, it has been classified as a Variant of Uncertain Significance. Algorithms developed to predict the effect of missense changes on protein structure and function output the following: SIFT: "Tolerated"; PolyPhen-2: "Benign"; Align-GVGD: "Class C0". The proline amino acid residue is found in multiple mammalian species, which suggests that this missense change does not adversely affect protein function. This variant is not present in population databases (gnomAD no frequency). This sequence change replaces arginine, which is basic and polar, with proline, which is neutral and non-polar, at codon 15 of the HTRA2 protein (p.Arg15Pro).